The following is an entry in ClinVar:

ClinVar aggregate classification (germline): Pathogenic (1 of 4 stars; one submission).

Conditions:
Familial thoracic aortic aneurysm and aortic dissection (TAAD). Also called: Thoracic aortic aneurysms and dissections. Identifiers: Orphanet 91387, MedGen C4707243, MONDO:0019625.
Marfan syndrome (MFS). Also called: Marfan syndrome type 1; Marfan syndrome, classic; Marfan's syndrome; FBN1-Related Marfan Syndrome; MARFAN SYNDROME, TYPE I. Identifiers: Orphanet 284963, Orphanet 558, MedGen C0024796, MONDO:0007947, OMIM 154700.

Submission:

Labcorp Genetics (formerly Invitae), Labcorp
Classification: Pathogenic for Marfan syndrome; Familial thoracic aortic aneurysm and aortic dissection. Last evaluated: 2024-03-16. Review status: criteria provided, single submitter. Criteria: Invitae Variant Classification Sherloc (09022015). Collection method: clinical testing. Allele origin: germline.
Comment: This variant, c.3518_3538del, is a complex sequence change that results in the deletion of 8 and insertion of 1 amino acid(s) in the FBN1 protein (p.Asn1173_Cys1180delinsSer). This variant is not present in population databases (gnomAD no frequency). This variant has been observed in individual(s) with Marfan syndrome (Invitae). ClinVar contains an entry for this variant (Variation ID: 527215). This variant affects a cysteine residue in the EGF-like, TGFBP or hybrid motif domains of FBN1. Cysteine residues are believed to be involved in intramolecular disulfide bridges and have been shown to be important for FBN1 protein structure (PMID: 16905551, 19349279). In addition, missense substitutions affecting cysteine residues within these domains are significantly overrepresented among patients with Marfan syndrome (PMID: 16571647, 17701892). This variant disrupts a region of the FBN1 protein in which other variant(s) (p.Asn1173Ile) have been determined to be pathogenic (Invitae). This suggests that this is a clinically significant region of the protein, and that variants that disrupt it are likely to be disease-causing. For these reasons, this variant has been classified as Pathogenic.

Literature cited by the submitters: PubMed 16905551; PubMed 19349279; PubMed 16571647; PubMed 17701892.

NM_000138.5(FBN1):c.3518_3538del (p.Asn1173_Cys1180delinsSer)

Gene: FBN1 (fibrillin 1; minus strand). Cytogenetic location: 15q21.1.
Variant type: Deletion.
Coding change: c.3518_3538del on transcript NM_000138.5 (MANE Select); coding-DNA positions 3518 to 3538, 21 bases deleted (ACCTCATAGGGAAGTATCAGT).
Protein change: p.Asn1173_Cys1180delinsSer.
Molecular consequence: inframe indel.
Genome position (GRCh38, 1-based): chr15:48,487,126-48,487,146, ACTGATACTTCCCTATGAGGT deleted on the plus strand (ACCTCATAGGGAAGTATCAGT on the coding strand, the reverse complement: FBN1 is on the minus strand). VCF-style (leftmost placement, unchanged base first): chr15-48487125-CACTGATACTTCCCTATGAGGT-C. GRCh37 (hg19) VCF-style: chr15-48779322-CACTGATACTTCCCTATGAGGT-C.
Other names: c.3518_3538delACCTCATAGGGAAGTATCAGT (NM_000138.4).
Identifiers: ClinVar variation 527215 (VCV000527215.8), dbSNP rs1555398514, ClinGen allele CA658798371.